The following is an entry in ClinVar:

ClinVar aggregate classification (germline): Pathogenic (1 of 4 stars; one submission).

Conditions:
X-linked Alport syndrome (ATS1). Also called: COL4A5-Related Nephropathy; NEPHROPATHY AND DEAFNESS, X-LINKED. Identifiers: Orphanet 63, Orphanet 88917, MedGen C4746986, MONDO:0010520, OMIM 301050.

Submission:

MVZ Medizinische Genetik Mainz
Classification: Pathogenic for X-linked Alport syndrome. Last evaluated: 2021-08-27. Review status: criteria provided, single submitter. Criteria: UK Practice Guidelines For Variant Classification V4 01 2020. Collection method: clinical testing. Allele origin: germline. Inheritance: Unknown mechanism. Affected: yes. Observed: 1 variant allele.
Comment: ACMG Criteria: PVS1, PM2_SUP, PP4

NM_033380.3(COL4A5):c.4425_4428del (p.Thr1476fs)

Gene: COL4A5 (collagen type IV alpha 5 chain; plus strand). Cytogenetic location: Xq22.3.
Variant type: Deletion.
Coding change: c.4425_4428del on transcript NM_033380.3 (MANE Select); coding-DNA positions 4425 to 4428, 4 bases deleted (GACA; older notation c.4425_4428delGACA).
Protein change: p.Thr1476fs; shifts the reading frame from threonine 1476.
Molecular consequence: frameshift variant.
Genome position (GRCh38, 1-based): chrX:108,687,591-108,687,594, GACA deleted; deleting any 4 consecutive bases within chrX:108,687,589-108,687,594 gives the same sequence; the c. name uses the placement nearest the transcript's 3' end. VCF-style (leftmost placement, unchanged base first): chrX-108687588-CCAGA-C. GRCh37 (hg19) VCF-style: chrX-107930818-CCAGA-C.
Other names: c.4407_4410del, p.Thr1470fs (NM_000495.5); short protein forms T1470fs, T1476fs.
Identifiers: ClinVar variation 3236055 (VCV003236055.1), dbSNP rs2524632501, ClinGen allele CA2825002923.